The following is an entry in ClinVar:

ClinVar aggregate classification (germline): Uncertain significance (1 of 4 stars; one submission).

Submission:

GeneDx
Classification: Uncertain significance. Last evaluated: 2024-07-15. Review status: criteria provided, single submitter. Criteria: GeneDx Variant Classification Process June 2021. Collection method: clinical testing. Allele origin: germline. Affected: yes.
Comment: Not observed at significant frequency in large population cohorts (gnomAD); In silico analysis indicates that this missense variant does not alter protein structure/function; Has not been previously published as pathogenic or benign to our knowledge

NM_001374828.1(ARID1B):c.759G>C (p.Gln253His)

Genes: ARID1B (AT-rich interaction domain 1B; plus strand), LOC115308161 (uncharacterized LOC115308161; minus strand), LOC129997525 (ATAC-STARR-seq lymphoblastoid silent region 17712; plus strand). Cytogenetic location: 6q25.3.
Variant type: single nucleotide variant.
Coding change: c.759G>C on transcript NM_001374828.1 (MANE Select); coding-DNA position 759, G replaced by C.
Protein change: p.Gln253His; replaces glutamine 253 with histidine.
Molecular consequence: missense variant. On other transcripts: non-coding transcript variant (1).
Genome position (GRCh38, 1-based): chr6:156,778,439, G>C. VCF-style: chr6-156778439-G-C. GRCh37 (hg19) VCF-style: chr6-157099573-G-C.
Other names: c.759G>C, p.Gln253His (NM_001371656.1, NM_001374820.1, NM_017519.3); c.510G>C (NM_020732.3); short protein forms Q253H.
Identifiers: ClinVar variation 3573717 (VCV003573717.1).